The following is an entry in ClinVar:

ClinVar aggregate classification (germline): Uncertain significance. Review status: criteria provided, multiple submitters, no conflicts (2 of 4 stars). 2 submissions from 2 submitters: Uncertain significance (2). Last evaluated 2026-01-12.

Conditions:
Usher syndrome type 2C. Also called: Usher syndrome, type 2B; USHER SYNDROME, TYPE IIC. Identifiers: Orphanet 231178, Orphanet 886, MedGen C2931213, MONDO:0011558, OMIM 605472.

Allele frequency attached by ClinVar (database versions not stated): gnomAD 0.00001; gnomAD exomes 0.00001; TOPMed 0.00001; ExAC 0.00002.
gnomAD v4.1: 11 of 1,613,772 alleles (0.00068%); highest among the groups gnomAD compares: Non-Finnish European, 0.00085%; no homozygotes.

Submissions (2):

Labcorp Genetics (formerly Invitae), Labcorp
Classification: Uncertain significance. Last evaluated: 2026-01-12. Review status: criteria provided, single submitter. Criteria: Invitae Variant Classification Sherloc (09022015). Collection method: clinical testing. Allele origin: germline.
Comment: This sequence change replaces lysine, which is basic and polar, with arginine, which is basic and polar, at codon 2445 of the ADGRV1 protein (p.Lys2445Arg). This variant is present in population databases (rs762036043, gnomAD 0.002%). This variant has not been reported in the literature in individuals affected with ADGRV1-related conditions. ClinVar contains an entry for this variant (Variation ID: 905824). Invitae Evidence Modeling of protein sequence and biophysical properties (such as structural, functional, and spatial information, amino acid conservation, physicochemical variation, residue mobility, and thermodynamic stability) indicates that this missense variant is not expected to disrupt ADGRV1 protein function with a negative predictive value of 95%. In summary, the available evidence is currently insufficient to determine the role of this variant in disease. Therefore, it has been classified as a Variant of Uncertain Significance.

Illumina Laboratory Services, Illumina
Classification: Uncertain significance for Usher syndrome type 2C. Last evaluated: 2018-01-13. Review status: criteria provided, single submitter. Criteria: ICSL Variant Classification Criteria 13 December 2019. Collection method: clinical testing. Allele origin: germline.

NM_032119.4(ADGRV1):c.7334A>G (p.Lys2445Arg)

Gene: ADGRV1 (adhesion G protein-coupled receptor V1; plus strand). Cytogenetic location: 5q14.3.
Variant type: single nucleotide variant.
Coding change: c.7334A>G on transcript NM_032119.4 (MANE Select); coding-DNA position 7334, A replaced by G.
Protein change: p.Lys2445Arg; replaces lysine 2445 with arginine.
Molecular consequence: missense variant. On other transcripts: non-coding transcript variant (1).
Genome position (GRCh38, 1-based): chr5:90,694,090, A>G. VCF-style: chr5-90694090-A-G. GRCh37 (hg19) VCF-style: chr5-89989907-A-G.
Other names: short protein forms K2445R.
Identifiers: ClinVar variation 905824 (VCV000905824.8), dbSNP rs762036043, ClinGen allele CA3340015.